The following is an entry in ClinVar:

ClinVar aggregate classification (germline): Pathogenic. Review status: criteria provided, multiple submitters, no conflicts (2 of 4 stars). 3 submissions from 3 submitters: Pathogenic (2). 1 of the submissions does not count toward it. Last evaluated 2025-07-08.

Conditions:
Hyperekplexia 2 (HKPX2). Identifiers: Orphanet 3197, MedGen C3553291, MONDO:0013828, OMIM 614619.

Allele frequency attached by ClinVar (database versions not stated): ExAC 0.00001; gnomAD 0.00001; ESP Exome Variant Server 0.00008; TOPMed 0.00001; gnomAD exomes 0.00001.
gnomAD v4.1: 18 of 1,557,398 alleles (0.0012%); highest among the groups gnomAD compares: Admixed American, 0.0017%; no homozygotes.

Submissions (3):

3billion
Classification: Pathogenic for Hyperekplexia 2. Last evaluated: 2025-07-08. Review status: criteria provided, single submitter. Criteria: ACMG Guidelines, 2015. Collection method: clinical testing. Allele origin: germline. Affected: yes.
Comment: The variant is observed at an extremely low frequency in the gnomAD v4.1.0 dataset (total allele frequency: 0.001%). Predicted Consequence/Location: Stop-gained (nonsense): predicted to result in a loss or disruption of normal protein function through nonsense-mediated decay (NMD) or protein truncation. Multiple pathogenic variants are reported downstream of the variant. The variant has been reported at least twice as pathogenic without evidence for the classification (ClinVar ID: VCV001076905 /PMID: 23184146). Therefore, this variant is classified as Pathogenic according to the recommendation of ACMG/AMP guideline.

Labcorp Genetics (formerly Invitae), Labcorp
Classification: Pathogenic for Hyperekplexia 2. Last evaluated: 2024-03-05. Review status: criteria provided, single submitter. Criteria: Invitae Variant Classification Sherloc (09022015). Collection method: clinical testing. Allele origin: germline.
Comment: This sequence change creates a premature translational stop signal (p.Arg212*) in the GLRB gene. It is expected to result in an absent or disrupted protein product. Loss-of-function variants in GLRB are known to be pathogenic (PMID: 23182654, 23184146). This variant is present in population databases (rs373790643, gnomAD 0.002%). This premature translational stop signal has been observed in individual(s) with hyperekplexia 2 (PMID: 23184146). ClinVar contains an entry for this variant (Variation ID: 1076905). For these reasons, this variant has been classified as Pathogenic.

OMIM
Classification: Pathogenic for HYPEREKPLEXIA 2. Last evaluated: 2022-07-29. Review status: no assertion criteria provided. Collection method: literature only. Allele origin: germline. Not counted in ClinVar's aggregate classification.

Literature cited by the submitters: PubMed 23184146 (cited by 3billion and Labcorp Genetics (formerly Invitae), Labcorp); PubMed 23182654 (cited by Labcorp Genetics (formerly Invitae), Labcorp); PubMed 33323420 (cited by OMIM).

NM_000824.5(GLRB):c.634C>T (p.Arg212Ter)

Gene: GLRB (glycine receptor beta; plus strand). Cytogenetic location: 4q32.1.
Variant type: single nucleotide variant.
Coding change: c.634C>T on transcript NM_000824.5 (MANE Select); coding-DNA position 634, C replaced by T.
Protein change: p.Arg212Ter; replaces arginine 212 with a stop codon.
Molecular consequence: nonsense.
Genome position (GRCh38, 1-based): chr4:157,138,832, C>T. VCF-style: chr4-157138832-C-T. GRCh37 (hg19) VCF-style: chr4-158059984-C-T.
Other names: c.634C>T, p.Arg212Ter (NM_001166060.2, NM_001166061.2); short protein forms R212*.
Identifiers: ClinVar variation 1076905 (VCV001076905.9), dbSNP rs373790643, ClinGen allele CA3119833.